The following is an entry in ClinVar:

NM_001103.4(ACTN2):c.1210_1212delinsAAA (p.Glu404Lys)

Gene: ACTN2 (actinin alpha 2; plus strand). Cytogenetic location: 1q43.
Variant type: Indel.
Coding change: c.1210_1212delinsAAA on transcript NM_001103.4 (MANE Select); coding-DNA positions 1210 to 1212, GAG replaced by AAA.
Protein change: p.Glu404Lys; replaces glutamic acid 404 with lysine.
Molecular consequence: missense variant.
Genome position (GRCh38, 1-based): chr1:236,742,998-236,743,000, GAG replaced by AAA. VCF-style: chr1-236742998-GAG-AAA. GRCh37 (hg19) VCF-style: chr1-236906298-GAG-AAA.
Other names: c.1210_1212delinsAAA, p.Glu404Lys (NM_001278343.2); c.586_588delinsAAA, p.Glu196Lys (NM_001278344.2); short protein forms E404K, E196K.
Identifiers: ClinVar variation 567777 (VCV000567777.6), dbSNP rs1558243133, ClinGen allele CA891842511.

ClinVar aggregate classification (germline): Uncertain significance (1 of 4 stars; one submission).

Conditions:
Dilated cardiomyopathy 1AA (CMD1AA). Also called: CARDIOMYOPATHY, DILATED, 1AA, WITH OR WITHOUT LEFT VENTRICULAR NONCOMPACTION; Cardiomyopathy, dilated, 1AA, with or without LVNC; CARDIOMYOPATHY, FAMILIAL HYPERTROPHIC, 23, WITH OR WITHOUT LEFT VENTRICULAR NONCOMPACTION. Identifiers: Orphanet 154, MedGen C2677338, MONDO:0012808, OMIM 612158.
Primary familial hypertrophic cardiomyopathy (HCM). Identifiers: Orphanet 99739, MedGen C0949658, MeSH D024741, MONDO:0024573. Inheritance: Various modes of inheritance.

Submission:

Labcorp Genetics (formerly Invitae), Labcorp
Classification: Uncertain significance for Primary familial hypertrophic cardiomyopathy; Dilated cardiomyopathy 1AA. Last evaluated: 2018-04-23. Review status: criteria provided, single submitter. Criteria: Invitae Variant Classification Sherloc (09022015). Collection method: clinical testing. Allele origin: germline.
Comment: This variant is not present in population databases (ExAC no frequency). This sequence change replaces glutamic acid with lysine at codon 404 of the ACTN2 protein (p.Glu404Lys). The glutamic acid residue is highly conserved and there is a small physicochemical difference between glutamic acid and lysine. This variant has not been reported in the literature in individuals with ACTN2-related disease. In summary, the available evidence is currently insufficient to determine the role of this variant in disease. Therefore, it has been classified as a Variant of Uncertain Significance. Algorithms developed to predict the effect of missense changes on protein structure and function (SIFT, PolyPhen-2, Align-GVGD) all suggest that this variant is likely to be disruptive, but these predictions have not been confirmed by published functional studies and their clinical significance is uncertain.